The following is an entry in ClinVar:

ClinVar aggregate classification (germline): Uncertain significance. Review status: criteria provided, multiple submitters, no conflicts (2 of 4 stars). 2 submissions from 2 submitters: Uncertain significance (2). Last evaluated 2024-01-23.

Conditions:
Inborn genetic diseases. Identifiers: MedGen C0950123, MeSH D030342.

Allele frequency attached by ClinVar (database versions not stated): gnomAD exomes below 0.00001 and 0.00001; ExAC 0.00003.
gnomAD v4.1: 14 of 1,585,420 alleles (0.00088%); highest among the groups gnomAD compares: African/African-American, 0.0054%; no homozygotes.

Submissions (2):

Ambry Genetics
Classification: Uncertain significance for Inborn genetic diseases. Last evaluated: 2024-01-23. Review status: criteria provided, single submitter. Criteria: Ambry Variant Classification Scheme 2023. Collection method: clinical testing. Allele origin: germline.

Labcorp Genetics (formerly Invitae), Labcorp
Classification: Uncertain significance. Last evaluated: 2022-06-20. Review status: criteria provided, single submitter. Criteria: Invitae Variant Classification Sherloc (09022015). Collection method: clinical testing. Allele origin: germline.
Comment: This sequence change replaces arginine, which is basic and polar, with glutamine, which is neutral and polar, at codon 1720 of the MYO18B protein (p.Arg1720Gln). The frequency data for this variant in the population databases is considered unreliable, as metrics indicate poor data quality at this position in the gnomAD database. This variant has not been reported in the literature in individuals affected with MYO18B-related conditions. Algorithms developed to predict the effect of missense changes on protein structure and function output the following: SIFT: "Not Available"; PolyPhen-2: "Possibly Damaging"; Align-GVGD: "Not Available". The glutamine amino acid residue is found in multiple mammalian species, which suggests that this missense change does not adversely affect protein function. In summary, the available evidence is currently insufficient to determine the role of this variant in disease. Therefore, it has been classified as a Variant of Uncertain Significance.

NM_032608.7(MYO18B):c.5159G>A (p.Arg1720Gln)

Gene: MYO18B (myosin XVIIIB; plus strand). Cytogenetic location: 22q12.1.
Variant type: single nucleotide variant.
Coding change: c.5159G>A on transcript NM_032608.7 (MANE Select); coding-DNA position 5159, G replaced by A.
Protein change: p.Arg1720Gln; replaces arginine 1720 with glutamine.
Molecular consequence: missense variant.
Genome position (GRCh38, 1-based): chr22:25,908,332, G>A. VCF-style: chr22-25908332-G-A. GRCh37 (hg19) VCF-style: chr22-26304299-G-A.
Other names: c.5162G>A, p.Arg1721Gln (NM_001318245.2); c.5159G>A (NM_032608.5); short protein forms R1720Q, R1721Q.
Identifiers: ClinVar variation 1386721 (VCV001386721.6), dbSNP rs779112822, ClinGen allele CA10161087.